The following is an entry in ClinVar:

ClinVar aggregate classification (germline): Uncertain significance (1 of 4 stars; one submission).

Allele frequency attached by ClinVar (database versions not stated): TOPMed below 0.00001; ExAC 0.00001; gnomAD 0.00001; gnomAD exomes 0.00001; ESP Exome Variant Server 0.00008.
gnomAD v4.1: 14 of 1,613,430 alleles (0.00087%); highest among the groups gnomAD compares: Non-Finnish European, 0.0012%; no homozygotes.

Submission:

Labcorp Genetics (formerly Invitae), Labcorp
Classification: Uncertain significance. Last evaluated: 2023-01-30. Review status: criteria provided, single submitter. Criteria: Invitae Variant Classification Sherloc (09022015). Collection method: clinical testing. Allele origin: germline.
Comment: This sequence change replaces isoleucine, which is neutral and non-polar, with valine, which is neutral and non-polar, at codon 2027 of the MPDZ protein (p.Ile2027Val). This variant is present in population databases (rs375734908, gnomAD 0.0009%). In summary, the available evidence is currently insufficient to determine the role of this variant in disease. Therefore, it has been classified as a Variant of Uncertain Significance. Algorithms developed to predict the effect of missense changes on protein structure and function are either unavailable or do not agree on the potential impact of this missense change (SIFT: "Deleterious"; PolyPhen-2: "Benign"; Align-GVGD: "Class C0"). This variant has not been reported in the literature in individuals affected with MPDZ-related conditions.

NM_001378778.1(MPDZ):c.6166A>G (p.Ile2056Val)

Gene: MPDZ (multiple PDZ domain crumbs cell polarity complex component; minus strand). Cytogenetic location: 9p23.
Variant type: single nucleotide variant.
Coding change: c.6166A>G on transcript NM_001378778.1 (MANE Select); coding-DNA position 6166, A replaced by G.
Protein change: p.Ile2056Val; replaces isoleucine 2056 with valine.
Molecular consequence: missense variant.
Genome position (GRCh38, 1-based): chr9:13,107,012, T>C on the plus strand (A>G on the coding strand, the complement: MPDZ is on the minus strand). VCF-style: chr9-13107012-T-C. GRCh37 (hg19) VCF-style: chr9-13107011-T-C.
Other names: c.6067A>G, p.Ile2023Val (NM_001261406.2, NM_001375416.1, NM_001375417.1 and 1 more transcripts); c.5980A>G, p.Ile1994Val (NM_001261407.2, NM_001375419.1); c.6166A>G, p.Ile2056Val (NM_001330637.2); c.6265A>G, p.Ile2089Val (NM_001375413.1); c.5956A>G, p.Ile1986Val (NM_001375420.1, NM_001375421.1, NM_001375422.1 and 2 more transcripts); c.5869A>G, p.Ile1957Val (NM_001375425.1, NM_001375426.1); c.5758A>G, p.Ile1920Val (NM_001375427.1); c.6079A>G, p.Ile2027Val (NM_003829.5); short protein forms I1920V, I1957V, I2089V, I2023V, I2056V, I1986V, I2027V, I1994V.
Identifiers: ClinVar variation 2894351 (VCV002894351.3), dbSNP rs375734908, ClinGen allele CA4985935.